The following is an entry in ClinVar:

ClinVar aggregate classification (germline): Uncertain significance (1 of 4 stars; one submission).

gnomAD v4.1: 9 of 1,614,140 alleles (0.00056%); highest among the groups gnomAD compares: South Asian, 0.0011%; no homozygotes.

Submission:

Ambry Genetics
Classification: Uncertain significance. Last evaluated: 2025-11-22. Review status: criteria provided, single submitter. Criteria: Ambry Variant Classification Scheme 2023. Collection method: clinical testing. Allele origin: germline.
Comment: The p.M355L variant (also known as c.1063A>C), located in coding exon 5 of the GFI1 gene, results from an A to C substitution at nucleotide position 1063. The methionine at codon 355 is replaced by leucine, an amino acid with highly similar properties. This amino acid position is conserved. In addition, this alteration is predicted to be tolerated by in silico analysis. Based on the available evidence, the clinical significance of this variant remains unclear.

NM_005263.5(GFI1):c.1063A>C (p.Met355Leu)

Gene: GFI1 (growth factor independent 1 transcriptional repressor; minus strand). Cytogenetic location: 1p22.1.
Variant type: single nucleotide variant.
Coding change: c.1063A>C on transcript NM_005263.5 (MANE Select); coding-DNA position 1063, A replaced by C.
Protein change: p.Met355Leu; replaces methionine 355 with leucine.
Molecular consequence: missense variant.
Genome position (GRCh38, 1-based): chr1:92,478,615, T>G on the plus strand (A>C on the coding strand, the complement: GFI1 is on the minus strand). VCF-style: chr1-92478615-T-G. GRCh37 (hg19) VCF-style: chr1-92944172-T-G.
Other names: c.1063A>C, p.Met355Leu (NM_001127215.3, NM_001127216.3); short protein forms M355L.
Identifiers: ClinVar variation 4671603 (VCV004671603.1).